The following is an entry in ClinVar:

ClinVar aggregate classification (germline): Uncertain significance (1 of 4 stars; one submission).

Submission:

Labcorp Genetics (formerly Invitae), Labcorp
Classification: Uncertain significance. Last evaluated: 2024-05-18. Review status: criteria provided, single submitter. Criteria: Invitae Variant Classification Sherloc (09022015). Collection method: clinical testing. Allele origin: germline.
Comment: This sequence change affects a donor splice site in intron 3 of the GABRA2 gene. It is expected to disrupt RNA splicing. Variants that disrupt the donor or acceptor splice site typically lead to a loss of protein function (PMID: 16199547), however the current clinical and genetic evidence is not sufficient to establish whether loss-of-function variants in GABRA2 cause disease. This variant is not present in population databases (gnomAD no frequency). This variant has not been reported in the literature in individuals affected with GABRA2-related conditions. Algorithms developed to predict the effect of sequence changes on RNA splicing suggest that this variant may disrupt the consensus splice site. In summary, the available evidence is currently insufficient to determine the role of this variant in disease. Therefore, it has been classified as a Variant of Uncertain Significance.

Literature cited by the submitters: PubMed 16199547.

NM_000807.4(GABRA2):c.187+1G>A

Gene: GABRA2 (gamma-aminobutyric acid type A receptor subunit alpha2; minus strand). Cytogenetic location: 4p12.
Variant type: single nucleotide variant.
Coding change: c.187+1G>A on transcript NM_000807.4 (MANE Select); the canonical splice donor site of the intron after coding-DNA position 187, G replaced by A.
Molecular consequence: splice donor variant.
Genome position (GRCh38, 1-based): chr4:46,386,073, C>T on the plus strand (G>A on the coding strand, the complement: GABRA2 is on the minus strand). VCF-style: chr4-46386073-C-T. GRCh37 (hg19) VCF-style: chr4-46388090-C-T.
Other names: c.90+1G>A (NM_001377154.1, NM_001377152.1, NM_001286827.3 and 1 more transcripts); c.187+1G>A (NM_001377146.1, NM_001377145.1, NM_001377144.1 and 8 more transcripts).
Identifiers: ClinVar variation 3653771 (VCV003653771.2).